The following is an entry in ClinVar:

NM_000268.4(NF2):c.79G>A (p.Val27Ile)

Gene: NF2 (NF2, moesin-ezrin-radixin like (MERLIN) tumor suppressor; plus strand). Cytogenetic location: 22q12.2.
Variant type: single nucleotide variant.
Coding change: c.79G>A on transcript NM_000268.4 (MANE Select); coding-DNA position 79, G replaced by A.
Protein change: p.Val27Ile; replaces valine 27 with isoleucine.
Molecular consequence: missense variant. On other transcripts: 5 prime UTR variant (4), non-coding transcript variant (1).
Genome position (GRCh38, 1-based): chr22:29,604,077, G>A. VCF-style: chr22-29604077-G-A. GRCh37 (hg19) VCF-style: chr22-30000066-G-A.
Other names: c.-152G>A (NM_001407053.1, NM_001407056.1); c.79G>A, p.Val27Ile (NM_001407054.1, NM_001407064.1, NM_001407066.1 and 15 more transcripts); c.-562G>A (NM_001407065.1); c.-178G>A (NM_001407067.1); short protein forms V27I.
Identifiers: ClinVar variation 3075126 (VCV003075126.1), dbSNP rs965231734, ClinGen allele CA411146127.

ClinVar aggregate classification (germline): Uncertain significance (1 of 4 stars; one submission).

Conditions:
Neurofibromatosis, type 2 (SWNV). Also called: BILATERAL ACOUSTIC NEUROFIBROMATOSIS; NF2-Related Schwannomatosis; SCHWANNOMATOSIS, VESTIBULAR. Identifiers: Orphanet 637, MedGen C0027832, MONDO:0007039, OMIM 101000. Disease mechanism: loss of function.

gnomAD v4.1: 2 of 1,607,678 alleles (0.00012%); highest among the groups gnomAD compares: Non-Finnish European, 0.00017%; no homozygotes.

Submission:

All of Us Research Program, National Institutes of Health
Classification: Uncertain significance for Neurofibromatosis, type 2. Last evaluated: 2023-12-18. Review status: criteria provided, single submitter. Criteria: ACMG Guidelines, 2015. Collection method: clinical testing. Allele origin: germline. Inheritance: Autosomal dominant inheritance. Observed: 1 variant allele, 1 heterozygote.
Comment: This missense variant replaces valine with isoleucine at codon 27 of the NF2 protein. Computational prediction suggests that this variant may not impact protein structure and function (internally defined REVEL score threshold <= 0.5, PMID: 27666373). To our knowledge, functional studies have not been reported for this variant. This variant has not been reported in individuals affected with NF2-related disorders in the literature. This variant has not been identified in the general population by the Genome Aggregation Database (gnomAD). The available evidence is insufficient to determine the role of this variant in disease conclusively. Therefore, this variant is classified as a Variant of Uncertain Significance.

This study involves interpretation of variants in research participants for the purpose of population health screening. Participant phenotype was not available at the time of variant classification. Additional details can be found in publication PMID: 35346344, PMCID: PMC8962531